The following is an entry in ClinVar:

NM_001034850.3(RETREG1):c.377G>A (p.Gly126Glu)

Gene: RETREG1 (reticulophagy regulator 1; minus strand). Cytogenetic location: 5p15.1.
Variant type: single nucleotide variant.
Coding change: c.377G>A on transcript NM_001034850.3 (MANE Select); coding-DNA position 377, G replaced by A.
Protein change: p.Gly126Glu; replaces glycine 126 with glutamic acid.
Molecular consequence: missense variant.
Genome position (GRCh38, 1-based): chr5:16,572,046, C>T on the plus strand (G>A on the coding strand, the complement: RETREG1 is on the minus strand). VCF-style: chr5-16572046-C-T. GRCh37 (hg19) VCF-style: chr5-16572155-C-T.
Other names: short protein forms G126E.
Identifiers: ClinVar variation 2126214 (VCV002126214.4), dbSNP rs2477712536, ClinGen allele CA359292425.

ClinVar aggregate classification (germline): Uncertain significance (1 of 4 stars; one submission).

Submission:

Labcorp Genetics (formerly Invitae), Labcorp
Classification: Uncertain significance. Last evaluated: 2022-04-15. Review status: criteria provided, single submitter. Criteria: Invitae Variant Classification Sherloc (09022015). Collection method: clinical testing. Allele origin: germline.
Comment: In summary, the available evidence is currently insufficient to determine the role of this variant in disease. Therefore, it has been classified as a Variant of Uncertain Significance. Algorithms developed to predict the effect of missense changes on protein structure and function are either unavailable or do not agree on the potential impact of this missense change (SIFT: "Tolerated"; PolyPhen-2: "Possibly Damaging"; Align-GVGD: "Class C0"). This variant has not been reported in the literature in individuals affected with RETREG1-related conditions. This variant is not present in population databases (gnomAD no frequency). This sequence change replaces glycine, which is neutral and non-polar, with glutamic acid, which is acidic and polar, at codon 126 of the RETREG1 protein (p.Gly126Glu).